The following is an entry in ClinVar:

NM_005219.5(DIAPH1):c.655C>T (p.Arg219Cys)

Gene: DIAPH1 (diaphanous related formin 1; minus strand). Cytogenetic location: 5q31.3.
Variant type: single nucleotide variant.
Coding change: c.655C>T on transcript NM_005219.5 (MANE Select); coding-DNA position 655, C replaced by T.
Protein change: p.Arg219Cys; replaces arginine 219 with cysteine.
Molecular consequence: missense variant.
Genome position (GRCh38, 1-based): chr5:141,582,341, G>A on the plus strand (C>T on the coding strand, the complement: DIAPH1 is on the minus strand). VCF-style: chr5-141582341-G-A. GRCh37 (hg19) VCF-style: chr5-140961908-G-A.
Other names: c.628C>T, p.Arg210Cys (NM_001079812.3); c.655C>T, p.Arg219Cys (NM_001314007.2); short protein forms R210C, R219C.
Identifiers: ClinVar variation 2573785 (VCV002573785.2), dbSNP rs1220362809, ClinGen allele CA361539723.
Genomic context (GRCh38, chr5:141,582,341, plus strand): 5'-GGGTTTGGAATGAGAATGGGAAAAATCTCACCTTGTTGTTCATAAAAGCTTTCAAGCAGC[G>A]AATGATCTCATGCTTGTTCCGGCTATCGTAACTCCTGTATATAGAAGACATAATCAGTGA-3'
Protein context (NP_005210.3, residues 209-229): YDSRNKHEII[Arg219Cys]CLKAFMNNKF

ClinVar aggregate classification (germline): Uncertain significance. Review status: criteria provided, multiple submitters, no conflicts (2 of 4 stars). 2 submissions from 2 submitters: Uncertain significance (2). Last evaluated 2025-12-27.

Conditions:
Autosomal dominant nonsyndromic hearing loss 1. Also called: KONIGSMARK SYNDROME; DEAFNESS, AUTOSOMAL DOMINANT 1, WITH OR WITHOUT THROMBOCYTOPENIA. Identifiers: Orphanet 90635, MedGen C1852282, MONDO:0007424, OMIM 124900.
Progressive microcephaly-seizures-cortical blindness-developmental delay syndrome. Also called: Seizures, cortical blindness, and microcephaly syndrome. Identifiers: Orphanet 477814, MedGen C5567650, MONDO:0014714, OMIM 616632.

Allele frequency attached by ClinVar (database versions not stated): gnomAD exomes below 0.00001.
gnomAD v4.1: 4 of 1,613,912 alleles (0.00025%); highest among the groups gnomAD compares: Non-Finnish European, 0.00025%; no homozygotes.

Submissions (2):

Labcorp Genetics (formerly Invitae), Labcorp
Classification: Uncertain significance for Progressive microcephaly-seizures-cortical blindness-developmental delay syndrome; Autosomal dominant nonsyndromic hearing loss 1. Last evaluated: 2025-12-27. Review status: criteria provided, single submitter. Criteria: Invitae Variant Classification Sherloc (09022015). Collection method: clinical testing. Allele origin: germline.
Comment: This sequence change replaces arginine, which is basic and polar, with cysteine, which is neutral and slightly polar, at codon 219 of the DIAPH1 protein (p.Arg219Cys). This variant is present in population databases (no rsID available, gnomAD 0.0009%). This variant has not been reported in the literature in individuals affected with DIAPH1-related conditions. ClinVar contains an entry for this variant (Variation ID: 2573785). Experimental studies and prediction algorithms are not available or were not evaluated, and the functional significance of this variant is currently unknown. In summary, the available evidence is currently insufficient to determine the role of this variant in disease. Therefore, it has been classified as a Variant of Uncertain Significance.

GeneDx
Classification: Uncertain significance. Last evaluated: 2023-01-24. Review status: criteria provided, single submitter. Criteria: GeneDx Variant Classification Process June 2021. Collection method: clinical testing. Allele origin: germline. Affected: yes.
Comment: Not observed at significant frequency in large population cohorts (gnomAD); In silico analysis supports that this missense variant has a deleterious effect on protein structure/function; Has not been previously published as pathogenic or benign to our knowledge